The following is an entry in ClinVar:

ClinVar aggregate classification (germline): Conflicting classifications of pathogenicity. Review status: criteria provided, conflicting classifications (1 of 4 stars). 7 submissions from 7 submitters: Uncertain significance (3); Likely benign (4). Last evaluated 2026-01-16.

Conditions:
Dyskeratosis congenita, autosomal dominant 2. Identifiers: MedGen C3151443, MONDO:0013521, OMIM 613989.
Idiopathic Pulmonary Fibrosis. Also called: Idiopathic fibrosing alveolitis, chronic form; idiopathic fibrosing alveolitis. Identifiers: Orphanet 2032, MedGen C1800706, MeSH D054990, MONDO:0800504.
TERT-related disorder. Also called: TERT-related disorders; TERT-related condition.
Dyskeratosis congenita. Identifiers: Orphanet 1775, MedGen C0265965, MONDO:0015780.

Allele frequency attached by ClinVar (database versions not stated): gnomAD 0.00004 and 0.00016; gnomAD exomes 0.00005 and 0.00016; TOPMed 0.00005; ExAC 0.00016; 1000 Genomes Project 0.00140; 1000 Genomes Project 30x 0.00156.
gnomAD v4.1: 121 of 1,614,126 alleles (0.0075%); highest among the groups gnomAD compares: East Asian, 0.062%; 2 homozygotes.

Submissions (7):

Labcorp Genetics (formerly Invitae), Labcorp
Classification: Likely benign for Dyskeratosis congenita, autosomal dominant 2; Idiopathic Pulmonary Fibrosis. Last evaluated: 2026-01-16. Review status: criteria provided, single submitter. Criteria: Invitae Variant Classification Sherloc (09022015). Collection method: clinical testing. Allele origin: germline.

ARUP Laboratories, Molecular Genetics and Genomics, ARUP Laboratories
Classification: Uncertain significance. Last evaluated: 2025-05-28. Review status: criteria provided, single submitter. Criteria: ARUP Molecular Germline Variant Investigation Process 2024. Collection method: clinical testing. Allele origin: germline.
Comment: The TERT c.2255A>G; p.His752Arg variant (rs375699185), to our knowledge, is not reported in the medical literature but is reported in ClinVar (Variation ID: 242225). This variant is found in the general population with an overall allele frequency of 0.016% (45/282,856 alleles, including 1 homozygote) in the Genome Aggregation Database (v2.1.1). Computational analyses are uncertain whether this variant is neutral or deleterious (REVEL: 0.18). Due to limited information, the clinical significance of this variant is uncertain at this time.

PreventionGenetics, part of Exact Sciences
Classification: Likely benign for TERT-related condition. Last evaluated: 2024-11-25. Review status: criteria provided, single submitter. Criteria: ACMG Guidelines, 2015. Collection method: clinical testing. Allele origin: germline.
Comment: This variant is classified as likely benign based on ACMG/AMP sequence variant interpretation guidelines (Richards et al. 2015 PMID: 25741868, with internal and published modifications).

Blueprint Genetics
Classification: Likely benign. Last evaluated: 2024-11-18. Review status: criteria provided, single submitter. Criteria: ACMG Guidelines, 2015. Collection method: clinical testing. Allele origin: germline.

Sema4
Classification: Uncertain significance for Dyskeratosis congenita. Last evaluated: 2021-09-15. Review status: criteria provided, single submitter. Criteria: Sema4 Curation Guidelines. Collection method: curation. Allele origin: germline.
Comment: The TERT c.2255A>G (p.H752R) variant has not been reported in the literature to our knowledge. This variant was observed in 26/19954 chromosomes in the East Asian population, including 1 homozygote, according to the Genome Aggregation Database (PMID: 32461654). The variant has been reported in ClinVar (Variation ID 242225). Functional studies have not been performed, and in silico predictions of the variant's effect on protein function are inconclusive. There is no indication that this variant causes disease, but the evidence is insufficient currently to prove that conclusively. Thus, the clinical significance of this variant is currently uncertain.

Ambry Genetics
Classification: Likely benign for Dyskeratosis congenita. Last evaluated: 2018-02-23. Review status: criteria provided, single submitter. Criteria: Ambry Variant Classification Scheme 2023. Collection method: clinical testing. Allele origin: germline.

Genetic Services Laboratory, University of Chicago
Classification: Uncertain significance. Last evaluated: 2016-10-14. Review status: criteria provided, single submitter. Criteria: ACMG Guidelines, 2015. Collection method: clinical testing. Allele origin: germline. Affected: no.

NM_198253.3(TERT):c.2255A>G (p.His752Arg)

Gene: TERT (telomerase reverse transcriptase; minus strand). Cytogenetic location: 5p15.33.
Variant type: single nucleotide variant.
Coding change: c.2255A>G on transcript NM_198253.3 (MANE Select); coding-DNA position 2255, A replaced by G.
Protein change: p.His752Arg; replaces histidine 752 with arginine.
Molecular consequence: missense variant. On other transcripts: non-coding transcript variant (2).
Genome position (GRCh38, 1-based): chr5:1,278,672, T>C on the plus strand (A>G on the coding strand, the complement: TERT is on the minus strand). VCF-style: chr5-1278672-T-C. GRCh37 (hg19) VCF-style: chr5-1278787-T-C.
Other names: c.2255A>G, p.His752Arg (NM_001193376.3); short protein forms H752R.
Identifiers: ClinVar variation 242225 (VCV000242225.22), dbSNP rs375699185, ClinGen allele CA3184618.